The following is an entry in ClinVar:

ClinVar aggregate classification (germline): Pathogenic/Likely pathogenic. Review status: criteria provided, multiple submitters, no conflicts (2 of 4 stars). 3 submissions from 3 submitters: Pathogenic (2); Likely pathogenic (1). Last evaluated 2026-03-23.

Conditions:
Retinitis pigmentosa (RP). Identifiers: Orphanet 791, MedGen C0035334, MeSH D012174, MONDO:0019200, OMIM 268000. Inheritance: Autosomal dominant, autosomal recessive and X linked inheritance.
Retinitis pigmentosa 25 (RP25). Identifiers: Orphanet 791, MedGen C1864446, MONDO:0011272, OMIM 602772.

Submissions (3):

Women's Health and Genetics/Laboratory Corporation of America, LabCorp
Classification: Pathogenic for Retinitis pigmentosa. Last evaluated: 2026-03-23. Review status: criteria provided, single submitter. Criteria: LabCorp Variant Classification Summary - May 2015. Collection method: clinical testing. Allele origin: germline.
Comment: Variant summary: EYS c.2410C>T (p.Gln804X) results in a premature termination codon, predicted to cause a truncation of the encoded protein or absence of the protein due to nonsense mediated decay, which are commonly known mechanisms for disease. The frequency data for this variant in gnomAD is considered unreliable, as metrics indicate poor data quality at this position. To our knowledge, no occurrence of c.2410C>T in individuals affected with EYS-related conditions and no experimental evidence demonstrating its impact on protein function have been reported. ClinVar contains an entry for this variant (Variation ID: 2890045). Based on the evidence outlined above, the variant was classified as pathogenic.

Baylor Genetics
Classification: Likely pathogenic for Retinitis pigmentosa 25. Last evaluated: 2023-12-04. Review status: criteria provided, single submitter. Criteria: ACMG Guidelines, 2015. Collection method: clinical testing. Allele origin: unknown.

Labcorp Genetics (formerly Invitae), Labcorp
Classification: Pathogenic. Last evaluated: 2023-02-24. Review status: criteria provided, single submitter. Criteria: Invitae Variant Classification Sherloc (09022015). Collection method: clinical testing. Allele origin: germline.
Comment: This sequence change creates a premature translational stop signal (p.Gln804*) in the EYS gene. It is expected to result in an absent or disrupted protein product. Loss-of-function variants in EYS are known to be pathogenic (PMID: 18836446, 20333770). For these reasons, this variant has been classified as Pathogenic. This variant has not been reported in the literature in individuals affected with EYS-related conditions. This variant is not present in population databases (gnomAD no frequency).

Literature cited by the submitters: PubMed 18836446 (cited by Labcorp Genetics (formerly Invitae), Labcorp); PubMed 20333770 (cited by Labcorp Genetics (formerly Invitae), Labcorp).

NM_001142800.2(EYS):c.2410C>T (p.Gln804Ter)

Gene: EYS (EGF-like photoreceptor maintenance factor; minus strand). Cytogenetic location: 6q12.
Variant type: single nucleotide variant.
Coding change: c.2410C>T on transcript NM_001142800.2 (MANE Select); coding-DNA position 2410, C replaced by T.
Protein change: p.Gln804Ter; replaces glutamine 804 with a stop codon.
Molecular consequence: nonsense.
Genome position (GRCh38, 1-based): chr6:64,912,715, G>A on the plus strand (C>T on the coding strand, the complement: EYS is on the minus strand). VCF-style: chr6-64912715-G-A. GRCh37 (hg19) VCF-style: chr6-65622608-G-A.
Other names: c.2410C>T, p.Gln804Ter (NM_001292009.2); short protein forms Q804*.
Identifiers: ClinVar variation 2890045 (VCV002890045.5), dbSNP rs2533384296, ClinGen allele CA364786589.
Genomic context (GRCh38, chr6:64,912,715, plus strand): 5'-AAAGACCTCCATTCATGCATGGATCAGAGTCGCATTCATTTATTTCTTCACTACAGTTCT[G>A]TCCAGTCCATCCAGATGTACACTCACATCTGAAATAAAATATTAAAATTTTTAGAAGTGT-3'